The following is an entry in ClinVar:

NM_000069.3(CACNA1S):c.953T>C (p.Ile318Thr)

Gene: CACNA1S (calcium voltage-gated channel subunit alpha1 S; minus strand). Cytogenetic location: 1q32.1.
Variant type: single nucleotide variant.
Coding change: c.953T>C on transcript NM_000069.3 (MANE Select); coding-DNA position 953, T replaced by C.
Protein change: p.Ile318Thr; replaces isoleucine 318 with threonine.
Molecular consequence: missense variant.
Genome position (GRCh38, 1-based): chr1:201,087,877, A>G on the plus strand (T>C on the coding strand, the complement: CACNA1S is on the minus strand). VCF-style: chr1-201087877-A-G. GRCh37 (hg19) VCF-style: chr1-201057005-A-G.
Other names: short protein forms I318T.
Identifiers: ClinVar variation 4794523 (VCV004794523.1).

ClinVar aggregate classification (germline): Uncertain significance (1 of 4 stars; one submission).

Conditions:
Hypokalemic periodic paralysis, type 1. Also called: HypoPP; Hypokalemic Periodic Paralysis Type 1 (AD). Identifiers: Orphanet 681, MedGen C3714580, MONDO:0042979, OMIM 170400.
Malignant hyperthermia, susceptibility to, 5 (MHS5). Also called: CACNA1S-Related Malignant Hyperthermia Susceptibility. Identifiers: Orphanet 423, MedGen C1866077, MONDO:0011163, OMIM 601887.

Submission:

Labcorp Genetics (formerly Invitae), Labcorp
Classification: Uncertain significance for Hypokalemic periodic paralysis, type 1; Malignant hyperthermia, susceptibility to, 5. Last evaluated: 2025-09-14. Review status: criteria provided, single submitter. Criteria: Invitae Variant Classification Sherloc (09022015). Collection method: clinical testing. Allele origin: germline.
Comment: This sequence change replaces isoleucine, which is neutral and non-polar, with threonine, which is neutral and polar, at codon 318 of the CACNA1S protein (p.Ile318Thr). This variant is not present in population databases (gnomAD no frequency). This variant has not been reported in the literature in individuals affected with CACNA1S-related conditions. Invitae Evidence Modeling of protein sequence and biophysical properties (such as structural, functional, and spatial information, amino acid conservation, physicochemical variation, residue mobility, and thermodynamic stability) has been performed for this missense variant. However, the output from this modeling did not meet the statistical confidence thresholds required to predict the impact of this variant on CACNA1S protein function. In summary, the available evidence is currently insufficient to determine the role of this variant in disease. Therefore, it has been classified as a Variant of Uncertain Significance.